The following is an entry in ClinVar:

ClinVar aggregate classification (germline): Likely pathogenic (0 of 4 stars; one submission).

Conditions:
Epilepsy. Also called: Seizure disorder. Identifiers: MedGen C0014544, MeSH D004827, MONDO:0005027.

Submission:

Institute of Human Genetics, University of Leipzig Medical Center
Classification: Likely pathogenic for Epilepsy. Last evaluated: 2021-03-04. Review status: no assertion criteria provided. Collection method: clinical testing. Allele origin: maternal. Inheritance: Autosomal dominant inheritance. Affected: yes. Observed: 1 variant allele, 1 heterozygote.
Comment: The variant was reviewed according to current ACMG recommendations and classified as Likely Pathogenic (criteria: PVS1_VeryStrong, PM2_Supporting).

NM_000833.3:c.(?_-310-1)_(414+1_415-1)del

Gene: GRIN2A (glutamate ionotropic receptor NMDA type subunit 2A; minus strand).
Variant type: Deletion.
Identifiers: ClinVar variation 998168 (VCV000998168.1).